The following is an entry in ClinVar:

NC_000009.12:g.(?_127854269)_(127854482_?)del

Gene: ENG (endoglin; minus strand). Cytogenetic location: 9q34.11.
Variant type: Deletion.
Identifiers: ClinVar variation 583891 (VCV000583891.1).

ClinVar aggregate classification (germline): Pathogenic (1 of 4 stars; one submission).

Conditions:
Telangiectasia, hereditary hemorrhagic, type 1 (HHT1). Also called: Osler Weber Rendu syndrome type 1; ENG-Related Hereditary Hemorrhagic Telangiectasia. Identifiers: Orphanet 774, MedGen C4551861, MONDO:0008535, OMIM 187300. Disease mechanism: loss of function.

Submission:

Labcorp Genetics (formerly Invitae), Labcorp
Classification: Pathogenic for Osler hemorrhagic telangiectasia syndrome. Last evaluated: 2018-06-18. Review status: criteria provided, single submitter. Criteria: Invitae Variant Classification Sherloc (09022015). Collection method: clinical testing. Allele origin: germline.
Comment: This variant is a gross deletion of the genomic region encompassing exon 1 of the ENG gene, which includes the initiator codon. The 5' end of this event is unknown as it extends beyond the assayed region for this gene and therefore may encompass additional genes. The 3' boundary is likely confined to intron 1 of the ENG gene. This is expected to result in an absent or disrupted protein product. A similar deletion of exon 1 has been reported in a family affected with hereditary hemorrhagic telangiectasiaÂ¬â€ (PMID: 24267784). Loss-of-function variants in ENG are known to be pathogenic (PMID: 15879500, 20656886, 22385575). For these reasons, this variant has been classified as Pathogenic.

Literature cited by the submitters: PubMed 24267784.